The following is an entry in ClinVar:

NM_002109.6(HARS1):c.1228C>T (p.Gln410Ter)

Gene: HARS1 (histidyl-tRNA synthetase 1; minus strand). Cytogenetic location: 5q31.3.
Variant type: single nucleotide variant.
Coding change: c.1228C>T on transcript NM_002109.6 (MANE Select); coding-DNA position 1228, C replaced by T.
Protein change: p.Gln410Ter; replaces glutamine 410 with a stop codon.
Molecular consequence: nonsense.
Genome position (GRCh38, 1-based): chr5:140,675,100, G>A on the plus strand (C>T on the coding strand, the complement: HARS1 is on the minus strand). VCF-style: chr5-140675100-G-A. GRCh37 (hg19) VCF-style: chr5-140054685-G-A.
Other names: c.1108C>T, p.Gln370Ter (NM_001258040.3); c.1168C>T, p.Gln390Ter (NM_001258041.3); c.1048C>T, p.Gln350Ter (NM_001258042.3); c.1006C>T, p.Gln336Ter (NM_001289092.2); c.886C>T, p.Gln296Ter (NM_001289093.2); c.1141C>T, p.Gln381Ter (NM_001289094.2); short protein forms Q350*, Q296*, Q336*, Q370*, Q381*, Q410*, Q390*.
Identifiers: ClinVar variation 647434 (VCV000647434.9), dbSNP rs201011416, ClinGen allele CA3443870.

ClinVar aggregate classification (germline): Uncertain significance. Review status: criteria provided, multiple submitters, no conflicts (2 of 4 stars). 3 submissions from 3 submitters: Uncertain significance (3). Last evaluated 2026-09-24.

Conditions:
Usher syndrome type 3B. Also called: USHER SYNDROME, TYPE IIIB. Identifiers: MedGen C3281066, MONDO:0013788, OMIM 614504.

Allele frequency attached by ClinVar (database versions not stated): ExAC 0.00012; gnomAD exomes 0.00006 and 0.00007; TOPMed 0.00003; gnomAD 0.00002.
gnomAD v4.1: 82 of 1,612,568 alleles (0.0051%); highest among the groups gnomAD compares: Non-Finnish European, 0.0066%; no homozygotes.

Submissions (3):

GeneDx
Classification: Uncertain significance. Last evaluated: 2026-09-24. Review status: criteria provided, single submitter. Criteria: GeneDx Variant Classification Process June 2021. Collection method: clinical testing. Allele origin: germline.
Comment: Observed in a patient with CMT in published literature; this patient also harbored a de novo HARS1 variant that may contribute to the phenotype (PMID: 42593351); Nonsense variant predicted to result in protein truncation or nonsense mediated decay in a gene or region of a gene for which loss of function is not a well-established mechanism of disease; This variant is associated with the following publications: (PMID: 42593351, 31964843)

Labcorp Genetics (formerly Invitae), Labcorp
Classification: Uncertain significance for Usher syndrome type 3B. Last evaluated: 2025-03-25. Review status: criteria provided, single submitter. Criteria: Invitae Variant Classification Sherloc (09022015). Collection method: clinical testing. Allele origin: germline.
Comment: This sequence change creates a premature translational stop signal (p.Gln410*) in the HARS gene. It is expected to result in an absent or disrupted protein product. However, the current clinical and genetic evidence is not sufficient to establish whether loss-of-function variants in HARS cause disease. This variant is present in population databases (rs201011416, gnomAD 0.02%). This variant has not been reported in the literature in individuals affected with HARS-related conditions. ClinVar contains an entry for this variant (Variation ID: 647434). In summary, the available evidence is currently insufficient to determine the role of this variant in disease. Therefore, it has been classified as a Variant of Uncertain Significance.

Blueprint Genetics
Classification: Uncertain significance. Last evaluated: 2024-11-18. Review status: criteria provided, single submitter. Criteria: ACMG Guidelines, 2015. Collection method: clinical testing. Allele origin: germline.